The following is an entry in ClinVar:

NM_001458.5(FLNC):c.197A>G (p.Asp66Gly)

Gene: FLNC (filamin C; plus strand). Cytogenetic location: 7q32.1.
Variant type: single nucleotide variant.
Coding change: c.197A>G on transcript NM_001458.5 (MANE Select); coding-DNA position 197, A replaced by G.
Protein change: p.Asp66Gly; replaces aspartic acid 66 with glycine.
Molecular consequence: missense variant.
Genome position (GRCh38, 1-based): chr7:128,830,834, A>G. VCF-style: chr7-128830834-A-G. GRCh37 (hg19) VCF-style: chr7-128470888-A-G.
Other names: c.197A>G, p.Asp66Gly (NM_001127487.2); short protein forms D66G.
Identifiers: ClinVar variation 1999756 (VCV001999756.4), dbSNP rs2128932174, ClinGen allele CA369216282.
Genomic context (GRCh38, chr7:128,830,834, plus strand): 5'-GCAATGAGCACCTCAAGTGCGTGGGCAAGCGCCTGACCGACCTGCAGCGCGACCTCAGCG[A>G]CGGGCTCCGGCTCATCGCGCTGCTCGAGGTGCTCAGCCAGAAGCGCATGTACCGCAAGTT-3'
Protein context (NP_001449.3, residues 56-76): RLTDLQRDLS[Asp66Gly]GLRLIALLEV

ClinVar aggregate classification (germline): Uncertain significance (1 of 4 stars; one submission).

Conditions:
Distal myopathy with posterior leg and anterior hand involvement. Also called: WILLIAMS DISTAL MYOPATHY. Identifiers: Orphanet 63273, MedGen C3279722, MONDO:0013550, OMIM 614065.
Myofibrillar myopathy 5. Also called: Filaminopathy (type); FILAMINOPATHY, AUTOSOMAL DOMINANT. Identifiers: Orphanet 171445, MedGen C1836050, MONDO:0012289, OMIM 609524.
Hypertrophic cardiomyopathy 26. Also called: Cardiomyopathy, familial hypertrophic, 26. Identifiers: Orphanet 75249, MedGen C4310749, MONDO:0014883, OMIM 617047.

Submission:

Labcorp Genetics (formerly Invitae), Labcorp
Classification: Uncertain significance for Distal myopathy with posterior leg and anterior hand involvement; Myofibrillar myopathy 5; Hypertrophic cardiomyopathy 26. Last evaluated: 2024-10-18. Review status: criteria provided, single submitter. Criteria: Invitae Variant Classification Sherloc (09022015). Collection method: clinical testing. Allele origin: germline.
Comment: This sequence change replaces aspartic acid, which is acidic and polar, with glycine, which is neutral and non-polar, at codon 66 of the FLNC protein (p.Asp66Gly). This variant is not present in population databases (gnomAD no frequency). This variant has not been reported in the literature in individuals affected with FLNC-related conditions. ClinVar contains an entry for this variant (Variation ID: 1999756). Invitae Evidence Modeling of protein sequence and biophysical properties (such as structural, functional, and spatial information, amino acid conservation, physicochemical variation, residue mobility, and thermodynamic stability) has been performed for this missense variant. However, the output from this modeling did not meet the statistical confidence thresholds required to predict the impact of this variant on FLNC protein function. In summary, the available evidence is currently insufficient to determine the role of this variant in disease. Therefore, it has been classified as a Variant of Uncertain Significance.